The following is an entry in ClinVar:

NM_007371.4(BRD3):c.1170C>G (p.Tyr390Ter)

Gene: BRD3 (bromodomain containing 3; minus strand). Cytogenetic location: 9q34.2.
Variant type: single nucleotide variant.
Coding change: c.1170C>G on transcript NM_007371.4 (MANE Select); coding-DNA position 1170, C replaced by G.
Protein change: p.Tyr390Ter; replaces tyrosine 390 with a stop codon.
Molecular consequence: nonsense.
Genome position (GRCh38, 1-based): chr9:134,045,338, G>C on the plus strand (C>G on the coding strand, the complement: BRD3 is on the minus strand). VCF-style: chr9-134045338-G-C. GRCh37 (hg19) VCF-style: chr9-136910460-G-C.
Other names: short protein forms Y390*.
Identifiers: ClinVar variation 4845574 (VCV004845574.1).

ClinVar aggregate classification (germline): Uncertain significance (1 of 4 stars; one submission).

Submission:

Greenwood Genetic Center Diagnostic Laboratories, Greenwood Genetic Center
Classification: Uncertain significance. Last evaluated: 2025-10-16. Review status: criteria provided, single submitter. Criteria: ACMG Guidelines, 2015. Collection method: clinical testing. Allele origin: germline. Affected: yes.
Comment: Gene of Uncertain Significance